The following is an entry in ClinVar:

NM_015466.4(PTPN23):c.4571C>T (p.Ala1524Val)

Gene: PTPN23 (protein tyrosine phosphatase non-receptor type 23; plus strand). Cytogenetic location: 3p21.31.
Variant type: single nucleotide variant.
Coding change: c.4571C>T on transcript NM_015466.4 (MANE Select); coding-DNA position 4571, C replaced by T.
Protein change: p.Ala1524Val; replaces alanine 1524 with valine.
Molecular consequence: missense variant.
Genome position (GRCh38, 1-based): chr3:47,412,845, C>T. VCF-style: chr3-47412845-C-T. GRCh37 (hg19) VCF-style: chr3-47454335-C-T.
Other names: c.4193C>T, p.Ala1398Val (NM_001304482.2); short protein forms A1524V, A1398V.
Identifiers: ClinVar variation 1914125 (VCV001914125.2), dbSNP rs755620380, ClinGen allele CA2366632.

ClinVar aggregate classification (germline): Uncertain significance (1 of 4 stars; one submission).

Allele frequency attached by ClinVar (database versions not stated): gnomAD exomes below 0.00001; gnomAD 0.00001; ExAC 0.00003.
gnomAD v4.1: 7 of 1,613,282 alleles (0.00043%); highest among the groups gnomAD compares: Admixed American, 0.005%; no homozygotes.

Submission:

Labcorp Genetics (formerly Invitae), Labcorp
Classification: Uncertain significance. Last evaluated: 2022-08-02. Review status: criteria provided, single submitter. Criteria: Invitae Variant Classification Sherloc (09022015). Collection method: clinical testing. Allele origin: germline.
Comment: This sequence change replaces alanine, which is neutral and non-polar, with valine, which is neutral and non-polar, at codon 1524 of the PTPN23 protein (p.Ala1524Val). This variant is present in population databases (rs755620380, gnomAD 0.009%). This variant has not been reported in the literature in individuals affected with PTPN23-related conditions. Algorithms developed to predict the effect of missense changes on protein structure and function output the following: SIFT: "Tolerated"; PolyPhen-2: "Not Available"; Align-GVGD: "Class C0". The valine amino acid residue is found in multiple mammalian species, which suggests that this missense change does not adversely affect protein function. In summary, the available evidence is currently insufficient to determine the role of this variant in disease. Therefore, it has been classified as a Variant of Uncertain Significance.